The following is an entry in ClinVar:

ClinVar aggregate classification (germline): Uncertain significance (1 of 4 stars; one submission).

Allele frequency attached by ClinVar (database versions not stated): gnomAD exomes 0.00001; ExAC 0.00001.

Submission:

Labcorp Genetics (formerly Invitae), Labcorp
Classification: Uncertain significance. Last evaluated: 2024-11-17. Review status: criteria provided, single submitter. Criteria: Invitae Variant Classification Sherloc (09022015). Collection method: clinical testing. Allele origin: germline.
Comment: This sequence change replaces valine, which is neutral and non-polar, with alanine, which is neutral and non-polar, at codon 9 of the MYH3 protein (p.Val9Ala). This variant is present in population databases (rs781326647, gnomAD 0.01%). This variant has not been reported in the literature in individuals affected with MYH3-related conditions. ClinVar contains an entry for this variant (Variation ID: 2997957). Invitae Evidence Modeling of protein sequence and biophysical properties (such as structural, functional, and spatial information, amino acid conservation, physicochemical variation, residue mobility, and thermodynamic stability) indicates that this missense variant is not expected to disrupt MYH3 protein function with a negative predictive value of 95%. In summary, the available evidence is currently insufficient to determine the role of this variant in disease. Therefore, it has been classified as a Variant of Uncertain Significance.

NM_002470.4(MYH3):c.26T>C (p.Val9Ala)

Gene: MYH3 (myosin heavy chain 3; minus strand). Cytogenetic location: 17p13.1.
Variant type: single nucleotide variant.
Coding change: c.26T>C on transcript NM_002470.4 (MANE Select); coding-DNA position 26, T replaced by C.
Protein change: p.Val9Ala; replaces valine 9 with alanine.
Molecular consequence: missense variant.
Genome position (GRCh38, 1-based): chr17:10,655,039, A>G on the plus strand (T>C on the coding strand, the complement: MYH3 is on the minus strand). VCF-style: chr17-10655039-A-G. GRCh37 (hg19) VCF-style: chr17-10558356-A-G.
Other names: short protein forms V9A.
Identifiers: ClinVar variation 2997957 (VCV002997957.3), dbSNP rs781326647, ClinGen allele CA8393426.